The following is an entry in ClinVar:

NM_000553.6(WRN):c.4051G>A (p.Ala1351Thr)

Gene: WRN (WRN RecQ like helicase; plus strand). Cytogenetic location: 8p12.
Variant type: single nucleotide variant.
Coding change: c.4051G>A on transcript NM_000553.6 (MANE Select); coding-DNA position 4051, G replaced by A.
Protein change: p.Ala1351Thr; replaces alanine 1351 with threonine.
Molecular consequence: missense variant.
Genome position (GRCh38, 1-based): chr8:31,167,090, G>A. VCF-style: chr8-31167090-G-A. GRCh37 (hg19) VCF-style: chr8-31024606-G-A.
Other names: short protein forms A1351T.
Identifiers: ClinVar variation 135441 (VCV000135441.4), dbSNP rs587778752, ClinGen allele CA162773.

ClinVar aggregate classification (germline): Uncertain significance. Review status: criteria provided, single submitter (1 of 4 stars). 2 submissions from 2 submitters: Uncertain significance (1). 1 of the submissions does not count toward it. Last evaluated 2023-07-08.

Conditions:
Werner syndrome (WRN). Identifiers: Orphanet 902, MedGen C0043119, MONDO:0010196, OMIM 277700.

Allele frequency attached by ClinVar (database versions not stated): gnomAD exomes below 0.00001.
gnomAD v4.1: 2 of 1,613,294 alleles (0.00012%); highest among the groups gnomAD compares: Non-Finnish European, 0.00017%; no homozygotes.

Submissions (2):

Labcorp Genetics (formerly Invitae), Labcorp
Classification: Uncertain significance for Werner syndrome. Last evaluated: 2023-07-08. Review status: criteria provided, single submitter. Criteria: Invitae Variant Classification Sherloc (09022015). Collection method: clinical testing. Allele origin: germline.
Comment: In summary, the available evidence is currently insufficient to determine the role of this variant in disease. Therefore, it has been classified as a Variant of Uncertain Significance. Algorithms developed to predict the effect of missense changes on protein structure and function output the following: SIFT: "Not Available"; PolyPhen-2: "Benign"; Align-GVGD: "Not Available". The threonine amino acid residue is found in multiple mammalian species, which suggests that this missense change does not adversely affect protein function. ClinVar contains an entry for this variant (Variation ID: 135441). This variant has not been reported in the literature in individuals affected with WRN-related conditions. This variant is not present in population databases (gnomAD no frequency). This sequence change replaces alanine, which is neutral and non-polar, with threonine, which is neutral and polar, at codon 1351 of the WRN protein (p.Ala1351Thr).

ITMI
No classification provided. Condition: AllHighlyPenetrant. Last evaluated: 2013-09-19. Review status: no classification provided. Collection method: reference population. Allele origin: germline. Not counted in ClinVar's aggregate classification.
Comment: Please see associated publication for description of ethnicities

Literature cited by the submitters: PubMed 24728327 (cited by ITMI).